The following is an entry in ClinVar:

ClinVar aggregate classification (germline): Conflicting classifications of pathogenicity. Review status: criteria provided, conflicting classifications (1 of 4 stars). 5 submissions from 5 submitters: Uncertain significance (4); Likely benign (1). Last evaluated 2024-09-08.

Conditions:
Hereditary breast ovarian cancer syndrome. Also called: Hereditary breast and ovarian cancer; Hereditary breast and/or ovarian cancer syndrome; Hereditary breast and ovarian cancer syndrome; Hereditary breast and ovarian cancer syndrome (HBOC); Breast and ovarian cancer; BRCA1- and BRCA2-Associated Hereditary Breast and Ovarian Cancer. Identifiers: Orphanet 145, MedGen C0677776, MeSH D061325, MONDO:0003582. Disease mechanism: loss of function.
BRCA2-related cancer predisposition. Identifiers: MedGen CN377758, MONDO:0700269.
Hereditary cancer-predisposing syndrome. Also called: Hereditary neoplastic syndrome; Tumor predisposition; Neoplastic Syndromes, Hereditary; Hereditary Cancer Syndrome. Identifiers: Orphanet 140162, MedGen C0027672, MeSH D009386, MONDO:0015356.

Allele frequency attached by ClinVar (database versions not stated): TOPMed 0.00002.

Submissions (5):

Labcorp Genetics (formerly Invitae), Labcorp
Classification: Uncertain significance for Hereditary breast ovarian cancer syndrome. Last evaluated: 2024-09-08. Review status: criteria provided, single submitter. Criteria: Invitae Variant Classification Sherloc (09022015). Collection method: clinical testing. Allele origin: germline.
Comment: This sequence change replaces cysteine, which is neutral and slightly polar, with tryptophan, which is neutral and slightly polar, at codon 2646 of the BRCA2 protein (p.Cys2646Trp). This variant is not present in population databases (gnomAD no frequency). This variant has not been reported in the literature in individuals affected with BRCA2-related conditions. ClinVar contains an entry for this variant (Variation ID: 421128). Invitae Evidence Modeling of protein sequence and biophysical properties (such as structural, functional, and spatial information, amino acid conservation, physicochemical variation, residue mobility, and thermodynamic stability) indicates that this missense variant is not expected to disrupt BRCA2 protein function with a negative predictive value of 95%. In summary, the available evidence is currently insufficient to determine the role of this variant in disease. Therefore, it has been classified as a Variant of Uncertain Significance.

All of Us Research Program, National Institutes of Health
Classification: Uncertain significance for BRCA2-related cancer predisposition. Last evaluated: 2024-07-29. Review status: criteria provided, single submitter. Criteria: ACMG Guidelines, 2015. Collection method: clinical testing. Allele origin: germline. Inheritance: Autosomal dominant inheritance. Observed: 1 variant allele, 1 heterozygote.
Comment: This missense variant replaces cysteine with tryptophan at codon 2646 of the BRCA2 protein. Computational prediction is inconclusive regarding the impact of this variant on protein structure and function (internally defined REVEL score threshold 0.5 < inconclusive < 0.7, PMID: 27666373). To our knowledge, functional studies have not been reported for this variant. This variant has not been reported in individuals affected with hereditary cancer in the literature. This variant has not been identified in the general population by the Genome Aggregation Database (gnomAD). The available evidence is insufficient to determine the role of this variant in disease conclusively. Therefore, this variant is classified as a Variant of Uncertain Significance.

This study involves interpretation of variants in research participants for the purpose of population health screening. Participant phenotype was not available at the time of variant classification. Additional details can be found in publication PMID: 35346344, PMCID: PMC8962531

Color Diagnostics, LLC DBA Color Health
Classification: Uncertain significance for Hereditary cancer-predisposing syndrome. Last evaluated: 2024-07-17. Review status: criteria provided, single submitter. Criteria: ACMG Guidelines, 2015. Collection method: clinical testing. Allele origin: germline.
Comment: This missense variant replaces cysteine with tryptophan at codon 2646 of the BRCA2 protein. Computational prediction is inconclusive regarding the impact of this variant on protein structure and function. A functional study has shown this variant does not impact homology-directed DNA repair activity (PMID: 35736817). To our knowledge, this variant has not been reported in individuals affected with BRCA2-related disorders in the literature. This variant has not been identified in the general population by the Genome Aggregation Database (gnomAD). The available evidence is insufficient to determine the role of this variant in disease conclusively. Therefore, this variant is classified as a Variant of Uncertain Significance.

Ambry Genetics
Classification: Likely benign for Hereditary cancer-predisposing syndrome. Last evaluated: 2022-01-05. Review status: criteria provided, single submitter. Criteria: Ambry Variant Classification Scheme 2023. Collection method: clinical testing. Allele origin: germline.

GeneDx
Classification: Uncertain significance. Last evaluated: 2018-02-15. Review status: criteria provided, single submitter. Criteria: GeneDx Variant Classification (06012015). Collection method: clinical testing. Allele origin: germline. Affected: yes.
Comment: This variant is denoted BRCA2 c.7938C>G at the cDNA level, p.Cys2646Trp (C2646W) at the protein level, and results in the change of a Cysteine to a Tryptophan (TGC>TGG). Using alternate nomenclature, this variant would be defined as BRCA2 8166C>G. This variant has not, to our knowledge, been published in the literature as pathogenic or benign. BRCA2 Cys2646Trp was not observed in large population cohorts (Lek 2016). BRCA2 Cys2646Trp is located within the DSS1 contacting residue and the region of interaction with SHFM1 (Marston 1999, Yang 2002). In-silico analysis, which includes protein predictors and evolutionary conservation, supports a deleterious effect. Based on currently available evidence, it is unclear whether BRCA2 Cys2646Trp is a pathogenic or benign variant. We consider it to be a variant of uncertain significance.

Literature cited by the submitters: PubMed 35736817 (cited by Color Diagnostics, LLC DBA Color Health).

NM_000059.4(BRCA2):c.7938C>G (p.Cys2646Trp)

Gene: BRCA2 (BRCA2 DNA repair associated; plus strand). Cytogenetic location: 13q13.1.
Variant type: single nucleotide variant.
Coding change: c.7938C>G on transcript NM_000059.4 (MANE Select); coding-DNA position 7938, C replaced by G.
Protein change: p.Cys2646Trp; replaces cysteine 2646 with tryptophan.
Molecular consequence: missense variant.
Genome position (GRCh38, 1-based): chr13:32,362,655, C>G. VCF-style: chr13-32362655-C-G. GRCh37 (hg19) VCF-style: chr13-32936792-C-G.
Other names: short protein forms C2646W.
Identifiers: ClinVar variation 421128 (VCV000421128.19), dbSNP rs1064794927, ClinGen allele CA16619773.
Genomic context (GRCh38, chr13:32,362,655, plus strand): 5'-GATCATATGGAAACTGGCAGCTATGGAATGTGCCTTTCCTAAGGAATTTGCTAATAGATG[C>G]CTAAGCCCAGAAAGGGTGCTTCTTCAACTAAAATACAGGCAAGTTTAAAGCATTACATTA-3'
Protein context (NP_000050.3, residues 2636-2656): CAFPKEFANR[Cys2646Trp]LSPERVLLQL